The following is an entry in ClinVar:

ClinVar aggregate classification (germline): Uncertain significance (1 of 4 stars; one submission).

Submission:

GeneDx
Classification: Uncertain significance. Last evaluated: 2024-10-15. Review status: criteria provided, single submitter. Criteria: GeneDx Variant Classification Process June 2021. Collection method: clinical testing. Allele origin: germline. Affected: yes.
Comment: Not observed at significant frequency in large population cohorts (gnomAD); In silico analysis indicates that this missense variant does not alter protein structure/function; Has not been previously published as pathogenic or benign to our knowledge

NM_152641.4(ARID2):c.691A>G (p.Arg231Gly)

Gene: ARID2 (AT-rich interaction domain 2; plus strand). Cytogenetic location: 12q12.
Variant type: single nucleotide variant.
Coding change: c.691A>G on transcript NM_152641.4 (MANE Select); coding-DNA position 691, A replaced by G.
Protein change: p.Arg231Gly; replaces arginine 231 with glycine.
Molecular consequence: missense variant.
Genome position (GRCh38, 1-based): chr12:45,821,473, A>G. VCF-style: chr12-45821473-A-G. GRCh37 (hg19) VCF-style: chr12-46215256-A-G.
Other names: c.691A>G, p.Arg231Gly (NM_001347839.2); short protein forms R231G.
Identifiers: ClinVar variation 3781217 (VCV003781217.1).